The following is an entry in ClinVar:

NM_001267550.2(TTN):c.5779C>T (p.Leu1927Phe)

Gene: TTN (titin; minus strand). Cytogenetic location: 2q31.2.
Variant type: single nucleotide variant.
Coding change: c.5779C>T on transcript NM_001267550.2 (MANE Select); coding-DNA position 5779, C replaced by T.
Protein change: p.Leu1927Phe; replaces leucine 1927 with phenylalanine.
Molecular consequence: missense variant.
Genome position (GRCh38, 1-based): chr2:178,776,085, G>A on the plus strand (C>T on the coding strand, the complement: TTN is on the minus strand). VCF-style: chr2-178776085-G-A. GRCh37 (hg19) VCF-style: chr2-179640812-G-A.
Other names: c.5779C>T, p.Leu1927Phe (NM_001256850.1, NM_133378.4, NM_133379.5); c.5641C>T, p.Leu1881Phe (NM_003319.4, NM_133432.3, NM_133437.4); short protein forms L1927F, L1881F.
Identifiers: ClinVar variation 467308 (VCV000467308.5), dbSNP rs1370515925, ClinGen allele CA349447514.

ClinVar aggregate classification (germline): Uncertain significance. Review status: criteria provided, multiple submitters, no conflicts (2 of 4 stars). 2 submissions from 2 submitters: Uncertain significance (2). Last evaluated 2019-08-27.

Conditions:
Cardiovascular phenotype. Identifiers: MedGen CN230736.
Autosomal recessive limb-girdle muscular dystrophy type 2J (LGMDR10). Also called: Limb-girdle muscular dystrophy, type 2J; MUSCULAR DYSTROPHY, LIMB-GIRDLE, AUTOSOMAL RECESSIVE 10. Identifiers: Orphanet 140922, MedGen C1837342, MONDO:0012127, OMIM 608807.
Dilated cardiomyopathy 1G (CMD1G). Identifiers: Orphanet 154, MedGen C1858763, MONDO:0011400, OMIM 604145.

Allele frequency attached by ClinVar (database versions not stated): TOPMed 0.00002.

Submissions (2):

Ambry Genetics
Classification: Uncertain significance for Cardiovascular phenotype. Last evaluated: 2019-08-27. Review status: criteria provided, single submitter. Criteria: Ambry Variant Classification Scheme 2023. Collection method: clinical testing. Allele origin: germline.
Comment: The p.L1881F variant (also known as c.5641C>T), located in coding exon 26 of the TTN gene, results from a C to T substitution at nucleotide position 5641. The leucine at codon 1881 is replaced by phenylalanine, an amino acid with highly similar properties. This amino acid position is well conserved in available vertebrate species. In addition, this alteration is predicted to be tolerated by in silico analysis. Since supporting evidence is limited at this time, the clinical significance of this alteration remains unclear.

Labcorp Genetics (formerly Invitae), Labcorp
Classification: Uncertain significance for Dilated cardiomyopathy 1G; Autosomal recessive limb-girdle muscular dystrophy type 2J. Last evaluated: 2017-06-02. Review status: criteria provided, single submitter. Criteria: Invitae Variant Classification Sherloc (09022015). Collection method: clinical testing. Allele origin: germline.